The following is an entry in ClinVar:

ClinVar aggregate classification (germline): Pathogenic (1 of 4 stars; one submission).

Conditions:
CHARGE syndrome (CHARGE). Also called: Coloboma, heart anomaly, choanal atresia, retardation, genital and ear anomalies; CHARGE association; Hall-Hittner syndrome; Hittner Hirsch Kreh syndrome; CHARGE ASSOCIATION--COLOBOMA, HEART ANOMALY, CHOANAL ATRESIA, RETARDATION, GENITAL AND EAR ANOMALIES. Identifiers: Orphanet 138, MedGen C0265354, MONDO:0008965.

Submission:

Labcorp Genetics (formerly Invitae), Labcorp
Classification: Pathogenic for CHARGE syndrome. Last evaluated: 2020-10-30. Review status: criteria provided, single submitter. Criteria: Invitae Variant Classification Sherloc (09022015). Collection method: clinical testing. Allele origin: germline.
Comment: This sequence change creates a premature translational stop signal (p.Asp2247Glyfs*2) in the CHD7 gene. It is expected to result in an absent or disrupted protein product. Loss-of-function variants in CHD7 are known to be pathogenic (PMID: 22461308, 25077900). This variant is not present in population databases (ExAC no frequency). This variant has not been reported in the literature in individuals with CHD7-related conditions. For these reasons, this variant has been classified as Pathogenic.

Literature cited by the submitters: PubMed 22461308; PubMed 25077900.

NM_017780.4(CHD7):c.6737dup (p.Asp2247fs)

Gene: CHD7 (chromodomain helicase DNA binding protein 7; plus strand). Cytogenetic location: 8q12.2.
Variant type: Duplication.
Coding change: c.6737dup on transcript NM_017780.4 (MANE Select); coding-DNA position 6737, one base duplicated (A; older notation c.6737dupA).
Protein change: p.Asp2247fs; shifts the reading frame from aspartic acid 2247.
Molecular consequence: frameshift variant. On other transcripts: intron variant (1).
Genome position (GRCh38, 1-based): chr8:60,853,462, A duplicated. VCF-style (leftmost placement, unchanged base first): chr8-60853461-G-GA. GRCh37 (hg19) VCF-style: chr8-61766020-G-GA.
Other names: c.1717-8767dup (NM_001316690.1); short protein forms D2247fs.
Identifiers: ClinVar variation 1452010 (VCV001452010.6), dbSNP rs2150811446, ClinGen allele CA2573143277.